The following is an entry in ClinVar:

NM_000038.6(APC):c.3068del (p.Thr1023fs)

Gene: APC (APC regulator of Wnt signaling pathway; plus strand). Cytogenetic location: 5q22.2.
Variant type: Deletion.
Coding change: c.3068del on transcript NM_000038.6 (MANE Select); coding-DNA position 3068, one base deleted (C; older notation c.3068delC).
Protein change: p.Thr1023fs; shifts the reading frame from threonine 1023.
Molecular consequence: frameshift variant. On other transcripts: non-coding transcript variant (2).
Genome position (GRCh38, 1-based): chr5:112,838,662, C deleted. VCF-style (leftmost placement, unchanged base first): chr5-112838661-AC-A. GRCh37 (hg19) VCF-style: chr5-112174358-AC-A.
Other names: c.3068del, p.Thr1023fs (NM_001127510.3, NM_001354895.2, NM_001407450.1); c.3014del, p.Thr1005fs (NM_001127511.3); c.3122del, p.Thr1041fs (NM_001354896.2, NM_001407447.1, NM_001407448.1 and 1 more transcripts); c.3098del, p.Thr1033fs (NM_001354897.2); c.2993del, p.Thr998fs (NM_001354898.2); c.2984del, p.Thr995fs (NM_001354899.2); c.2945del, p.Thr982fs (NM_001354900.2); c.2891del, p.Thr964fs (NM_001354901.2, NM_001407453.1); and 11 more; short protein forms T1005fs, T1013fs, T1016fs, T1023fs, T1033fs, T1041fs, T1051fs, T639fs.
Identifiers: ClinVar variation 2583962 (VCV002583962.1), dbSNP rs2533468824, ClinGen allele CA658760868.
Genomic context (GRCh38, chr5:112,838,661, plus strand): 5'-GACCTAGCCCATAAAATACATAGTGCAAATCATATGGATGATAATGATGGAGAACTAGAT[AC>A]ACCAATAAATTATAGTCTTAAATATTCAGATGAGCAGTTGAACTCTGGAAGGCAAAGTCC-3'

ClinVar aggregate classification (germline): Pathogenic (1 of 4 stars; one submission).

Conditions:
Familial adenomatous polyposis 1 (FAP1). Also called: FAMILIAL ADENOMATOUS POLYPOSIS 1, ATTENUATED; POLYPOSIS, ADENOMATOUS INTESTINAL. Identifiers: MedGen C2713442, MONDO:0021056, OMIM 175100. Disease mechanism: loss of function.

Submission:

Myriad Genetics, Inc.
Classification: Pathogenic for Familial adenomatous polyposis 1. Last evaluated: 2023-05-05. Review status: criteria provided, single submitter. Criteria: Myriad Autosomal Dominant, Autosomal Recessive and X-Linked Classification Criteria (2023). Collection method: clinical testing. Allele origin: unknown.
Comment: This variant is considered pathogenic. This variant creates a frameshift predicted to result in premature protein truncation.